The following is an entry in ClinVar:

NM_002510.3(GPNMB):c.719_720del (p.Val240fs)

Gene: GPNMB (glycoprotein nmb; plus strand). Cytogenetic location: 7p15.3.
Variant type: Microsatellite.
Coding change: c.719_720del on transcript NM_002510.3 (MANE Select); coding-DNA positions 719 to 720, 2 bases deleted (TG; older notation c.719_720delTG).
Protein change: p.Val240fs; shifts the reading frame from valine 240.
Molecular consequence: frameshift variant.
Genome position (GRCh38, 1-based): chr7:23,260,474-23,260,475, TG deleted; deleting any 2 consecutive bases within chr7:23,260,472-23,260,475 gives the same sequence; the c. name uses the placement nearest the transcript's 3' end. VCF-style (leftmost placement, unchanged base first): chr7-23260471-TTG-T. GRCh37 (hg19) VCF-style: chr7-23300090-TTG-T.
Other names: c.719_720del, p.Val240fs (NM_001005340.2); short protein forms V240fs.
Identifiers: ClinVar variation 503501 (VCV000503501.3), dbSNP rs747723062, ClinGen allele CA4187515.

ClinVar aggregate classification (germline): Pathogenic. Review status: criteria provided, single submitter (1 of 4 stars). 2 submissions from 2 submitters: Pathogenic (1). 1 of the submissions does not count toward it.

Conditions:
Amyloidosis, primary localized cutaneous, 3. Also called: AMYLOIDOSIS CUTIS DYSCHROMICA. Identifiers: MedGen C4554421, MONDO:0054765, OMIM 617920.

Submissions (2):

Juno Genomics, Hangzhou Juno Genomics, Inc
Classification: Pathogenic for Amyloidosis, primary localized cutaneous, 3. Review status: criteria provided, single submitter. Criteria: ACMG Guidelines, 2015. Collection method: clinical testing. Allele origin: germline.
Comment: Absent from controls (or at extremely low frequency if recessive) in Genome Aggregation Database.;Null variant in a gene where loss of function (LOF) is a known mechanism of disease.;For recessive disorders, detected in trans with a pathogenic variant.;Patient's phenotype or family history is highly specific for a disease with a single genetic etiology.

OMIM
Classification: Pathogenic for AMYLOIDOSIS, PRIMARY LOCALIZED CUTANEOUS, 3. Last evaluated: 2018-03-27. Review status: no assertion criteria provided. Collection method: literature only. Allele origin: germline. Not counted in ClinVar's aggregate classification.

Literature cited by the submitters: PubMed 29336782 (cited by OMIM).